The following is an entry in ClinVar:

NM_001366521.1(ATP2B1):c.2994T>C (p.Asn998=)

Gene: ATP2B1 (ATPase plasma membrane Ca2+ transporting 1; minus strand). Cytogenetic location: 12q21.33.
Variant type: single nucleotide variant.
Coding change: c.2994T>C on transcript NM_001366521.1 (MANE Select); coding-DNA position 2994, T replaced by C.
Protein change: p.Asn998=; no amino-acid change (asparagine 998 retained).
Molecular consequence: synonymous variant. On other transcripts: non-coding transcript variant (3).
Genome position (GRCh38, 1-based): chr12:89,603,109, A>G on the plus strand (T>C on the coding strand, the complement: ATP2B1 is on the minus strand). VCF-style: chr12-89603109-A-G. GRCh37 (hg19) VCF-style: chr12-89996886-A-G.
Other names: c.2994T>C, p.Asn998= (NM_001001323.2, NM_001366520.1, NM_001366522.1 and 12 more transcripts); c.2796T>C, p.Asn932= (NM_001366530.1, NM_001413053.1); c.2433T>C, p.Asn811= (NM_001366531.1, NM_001366532.1, NM_001413058.1 and 2 more transcripts); c.2955T>C, p.Asn985= (NM_001413048.1); c.2853T>C, p.Asn951= (NM_001413051.1, NM_001413052.1, NM_001413055.1); c.2751T>C, p.Asn917= (NM_001413054.1); c.2739T>C, p.Asn913= (NM_001413056.1); c.2541T>C, p.Asn847= (NM_001413057.1).
Identifiers: ClinVar variation 5000569 (VCV005000569.1).

ClinVar aggregate classification (germline): Likely benign (1 of 4 stars; one submission).

Conditions:
ATP2B1-related disorder. Also called: ATP2B1-related condition.

Submission:

PreventionGenetics, part of Exact Sciences
Classification: Likely benign for ATP2B1-related condition. Last evaluated: 2024-12-12. Review status: criteria provided, single submitter. Criteria: ACMG Guidelines, 2015. Collection method: clinical testing. Allele origin: germline.
Comment: This variant is classified as likely benign based on ACMG/AMP sequence variant interpretation guidelines (Richards et al. 2015 PMID: 25741868, with internal and published modifications).